The following is an entry in ClinVar:

NM_080732.4(EGLN2):c.440A>G (p.Glu147Gly)

Genes: EGLN2 (egl-9 family hypoxia inducible factor 2; plus strand), RAB4B-EGLN2 (RAB4B-EGLN2 readthrough (NMD candidate); plus strand). Cytogenetic location: 19q13.2.
Variant type: single nucleotide variant.
Coding change: c.440A>G on transcript NM_080732.4 (MANE Select); coding-DNA position 440, A replaced by G.
Protein change: p.Glu147Gly; replaces glutamic acid 147 with glycine.
Molecular consequence: missense variant. On other transcripts: non-coding transcript variant (1).
Genome position (GRCh38, 1-based): chr19:40,801,012, A>G. VCF-style: chr19-40801012-A-G. GRCh37 (hg19) VCF-style: chr19-41306917-A-G.
Other names: c.440A>G, p.Glu147Gly (NM_053046.4); short protein forms E147G.
Identifiers: ClinVar variation 3507267 (VCV003507267.1).

ClinVar aggregate classification (germline): Uncertain significance (1 of 4 stars; one submission).

Submission:

Ambry Genetics
Classification: Uncertain significance. Last evaluated: 2024-07-24. Review status: criteria provided, single submitter. Criteria: Ambry Variant Classification Scheme 2023. Collection method: clinical testing. Allele origin: germline.
Comment: The p.E147G variant (also known as c.440A>G), located in coding exon 1 of the EGLN2 gene, results from an A to G substitution at nucleotide position 440. The glutamic acid at codon 147 is replaced by glycine, an amino acid with similar properties. This amino acid position is conserved. In addition, this alteration is predicted to be tolerated by in silico analysis. Based on the available evidence, the clinical significance of this variant remains unclear.